The following is an entry in ClinVar:

ClinVar aggregate classification (germline): Likely pathogenic (1 of 4 stars; one submission).

Conditions:
Hereditary spastic paraplegia 49 (HSAN9). Also called: TECPR2-Related Hereditary Sensory and Autonomic Neuropathy with Intellectual Disability; Spastic paraplegia 49, autosomal recessive; NEUROPATHY, HEREDITARY SENSORY AND AUTONOMIC, TYPE IX, WITH DEVELOPMENTAL DELAY. Identifiers: Orphanet 320385, MedGen C5190860, MONDO:0014016, OMIM 615031.

Submission:

Labcorp Genetics (formerly Invitae), Labcorp
Classification: Likely pathogenic for Spastic paraplegia 49, autosomal recessive. Last evaluated: 2018-05-11. Review status: criteria provided, single submitter. Criteria: Invitae Variant Classification Sherloc (09022015). Collection method: clinical testing. Allele origin: germline.
Comment: This variant is a gross deletion of the genomic region encompassing part of exon 2 (c.218_219+15del) of the TECPR2Â¬â€ gene. It is expected to disrupt RNAÂ¬â€ splicing and likely results in an absent or disrupted protein product. This variant is not present in population databases (ExAC no frequency). This variant has not been reported in the literature in individuals with TECPR2-related disease. Loss-of-function variants in TECPR2 are known to be pathogenic (PMID: 23176824). In summary, the currently available evidence indicates that the variant is pathogenic, but additional data are needed to prove that conclusively. Therefore, this variant has been classified as Likely Pathogenic.

NM_014844.5(TECPR2):c.218_219+15del

Gene: TECPR2 (tectonin beta-propeller repeat containing 2; plus strand). Cytogenetic location: 14q32.31.
Variant type: Deletion.
Coding change: c.218_219+15del on transcript NM_014844.5 (MANE Select); coding-DNA position 218 through 15 bases into the intron after coding-DNA position 219, 17 bases deleted (AGGTGAGCCTTGCTTTG).
Molecular consequence: splice donor variant.
Genome position (GRCh38, 1-based): chr14:102,376,939-102,376,955, AGGTGAGCCTTGCTTTG deleted; deleting any 17 consecutive bases within chr14:102,376,934-102,376,955 gives the same sequence; the c. name uses the placement nearest the transcript's 3' end. VCF-style (leftmost placement, unchanged base first): chr14-102376933-ACTTTGAGGTGAGCCTTG-A. GRCh37 (hg19) VCF-style: chr14-102843270-ACTTTGAGGTGAGCCTTG-A.
Other names: c.218_219+15del (NM_001172631.3); c.218_219+15delAGGTGAGCCTTGCTTTG (NM_014844.3).
Identifiers: ClinVar variation 570798 (VCV000570798.1), dbSNP rs1567314662, ClinGen allele CA891844145.